The following is an entry in ClinVar:

ClinVar aggregate classification (germline): Uncertain significance (1 of 4 stars; one submission).

Conditions:
Classic or attenuated familial adenomatous polyposis. Identifiers: MedGen CN372698, MONDO:0021057.

Submission:

All of Us Research Program, National Institutes of Health
Classification: Uncertain significance for Classic or attenuated familial adenomatous polyposis. Last evaluated: 2024-03-24. Review status: criteria provided, single submitter. Criteria: ACMG Guidelines, 2015. Collection method: clinical testing. Allele origin: germline. Inheritance: Autosomal dominant inheritance. Observed: 1 variant allele, 1 heterozygote.
Comment: This missense variant replaces glutamic acid with lysine at codon 138 of the APC protein. Computational prediction is inconclusive regarding the impact of this variant on protein structure and function (internally defined REVEL score threshold 0.5 < inconclusive < 0.7, PMID: 27666373). To our knowledge, functional studies have not been reported for this variant. This variant has not been reported in individuals affected with APC-related disorders in the literature. This variant has not been identified in the general population by the Genome Aggregation Database (gnomAD). The available evidence is insufficient to determine the role of this variant in disease conclusively. Therefore, this variant is classified as a Variant of Uncertain Significance.

This study involves interpretation of variants in research participants for the purpose of population health screening. Participant phenotype was not available at the time of variant classification. Additional details can be found in publication PMID: 35346344, PMCID: PMC8962531

NM_000038.6(APC):c.412G>A (p.Glu138Lys)

Gene: APC (APC regulator of WNT signaling pathway; plus strand). Cytogenetic location: 5q22.2.
Variant type: single nucleotide variant.
Coding change: c.412G>A on transcript NM_000038.6 (MANE Select); coding-DNA position 412, G replaced by A.
Protein change: p.Glu138Lys; replaces glutamic acid 138 with lysine.
Molecular consequence: missense variant. On other transcripts: 5 prime UTR variant (4), non-coding transcript variant (2).
Genome position (GRCh38, 1-based): chr5:112,767,380, G>A. VCF-style: chr5-112767380-G-A. GRCh37 (hg19) VCF-style: chr5-112103077-G-A.
Other names: c.412G>A, p.Glu138Lys (NM_001127510.3, NM_001354895.2, NM_001354896.2 and 16 more transcripts); c.442G>A, p.Glu148Lys (NM_001127511.3, NM_001354897.2, NM_001354902.2 and 1 more transcripts); c.337G>A, p.Glu113Lys (NM_001354898.2, NM_001354904.2, NM_001407451.1); c.235G>A, p.Glu79Lys (NM_001354900.2, NM_001354901.2, NM_001354905.2 and 1 more transcripts); c.-624G>A (NM_001354906.2, NM_001407470.1, NM_001407471.1 and 1 more transcripts); short protein forms E113K, E138K, E148K, E79K.
Identifiers: ClinVar variation 3385459 (VCV003385459.1).
Genomic context (GRCh38, chr5:112,767,380, plus strand): 5'-TTTCCAAGAAGAGGGTTTGTAAATGGAAGCAGAGAAAGTACTGGATATTTAGAAGAACTT[G>A]AGAAAGAGAGGTAACTTTTCTTCATATAGTAAACATTGCCTTGTGTACTCCAGTTTATTG-3'
Protein context (NP_000029.2, residues 128-148): RESTGYLEEL[Glu138Lys]KERSLLLADL